The following is an entry in ClinVar:

NM_018723.4(RBFOX1):c.238A>G (p.Thr80Ala)

Gene: RBFOX1 (RNA binding fox-1 homolog 1; plus strand). Cytogenetic location: 16p13.3.
Variant type: single nucleotide variant.
Coding change: c.238A>G on transcript NM_018723.4 (MANE Select); coding-DNA position 238, A replaced by G.
Protein change: p.Thr80Ala; replaces threonine 80 with alanine.
Molecular consequence: missense variant.
Genome position (GRCh38, 1-based): chr16:7,518,357, A>G. VCF-style: chr16-7518357-A-G. GRCh37 (hg19) VCF-style: chr16-7568359-A-G.
Other names: c.238A>G, p.Thr80Ala (NM_001142333.2, NM_001142334.2, NM_001364800.2); c.367A>G, p.Thr123Ala (NM_001308117.1, NM_001411047.1); c.298A>G, p.Thr100Ala (NM_145891.3, NM_145892.3, NM_145893.3); short protein forms T80A, T100A, T123A.
Identifiers: ClinVar variation 2140936 (VCV002140936.4), dbSNP rs557383173, ClinGen allele CA7891374.

ClinVar aggregate classification (germline): Uncertain significance (1 of 4 stars; one submission).

Conditions:
Idiopathic generalized epilepsy. Also called: Generalised epilepsy; EIG. Identifiers: MedGen C0270850, MONDO:0005579, OMIM 600669.

Allele frequency attached by ClinVar (database versions not stated): ExAC 0.00001; gnomAD 0.00001; gnomAD exomes 0.00001; TOPMed 0.00001; 1000 Genomes Project 30x 0.00016; 1000 Genomes Project 0.00020.
gnomAD v4.1: 15 of 1,612,936 alleles (0.00093%); highest among the groups gnomAD compares: South Asian, 0.0033%; no homozygotes.

Submission:

Labcorp Genetics (formerly Invitae), Labcorp
Classification: Uncertain significance for Idiopathic generalized epilepsy. Last evaluated: 2024-04-17. Review status: criteria provided, single submitter. Criteria: Invitae Variant Classification Sherloc (09022015). Collection method: clinical testing. Allele origin: germline.
Comment: This sequence change replaces threonine, which is neutral and polar, with alanine, which is neutral and non-polar, at codon 100 of the RBFOX1 protein (p.Thr100Ala). The frequency data for this variant in the population databases is considered unreliable, as metrics indicate poor data quality at this position in the gnomAD database. This variant has not been reported in the literature in individuals affected with RBFOX1-related conditions. ClinVar contains an entry for this variant (Variation ID: 2140936). Advanced modeling of protein sequence and biophysical properties (such as structural, functional, and spatial information, amino acid conservation, physicochemical variation, residue mobility, and thermodynamic stability) performed at Invitae indicates that this missense variant is not expected to disrupt RBFOX1 protein function with a negative predictive value of 80%. In summary, the available evidence is currently insufficient to determine the role of this variant in disease. Therefore, it has been classified as a Variant of Uncertain Significance.